The following is an entry in ClinVar:

NM_000343.3(SLC5A1):c.-170C>T

Gene: SLC5A1 (solute carrier family 5 member 1; plus strand). Cytogenetic location: 22q12.3.
Variant type: single nucleotide variant.
Coding change: c.-170C>T on transcript NM_000343.3; 170 bases upstream of the start codon, C replaced by T.
Genome position (GRCh38, 1-based): chr22:32,043,112, C>T. VCF-style: chr22-32043112-C-T. GRCh37 (hg19) VCF-style: chr22-32439099-C-T.
Identifiers: ClinVar variation 341227 (VCV000341227.7), dbSNP rs142248518, ClinGen allele CA10651085.

ClinVar aggregate classification (germline): Benign (1 of 4 stars; one submission).

Conditions:
Congenital glucose-galactose malabsorption (GGM). Also called: MONOSACCHARIDE MALABSORPTION; DIARRHEA 16. Identifiers: Orphanet 35710, MedGen C0268186, MONDO:0011731, OMIM 606824.

Allele frequency attached by ClinVar (database versions not stated): gnomAD 0.01074 and 0.01139; TOPMed 0.01225; 1000 Genomes Project 0.01438; gnomAD exomes 0.00147; 1000 Genomes Project 30x 0.01452.

Submission:

Illumina Laboratory Services, Illumina
Classification: Benign for Congenital glucose-galactose malabsorption. Last evaluated: 2018-01-13. Review status: criteria provided, single submitter. Criteria: ICSL Variant Classification Criteria 13 December 2019. Collection method: clinical testing. Allele origin: germline.
Comment: This variant was observed in the ICSL laboratory as part of a predisposition screen in an ostensibly healthy population. It had not been previously curated by ICSL or reported in the Human Gene Mutation Database (HGMD: prior to June 1st, 2018), and was therefore a candidate for classification through an automated scoring system. Utilizing variant allele frequency, disease prevalence and penetrance estimates, and inheritance mode, an automated score was calculated to assess if this variant is too frequent to cause the disease. Based on the score and internal cut-off values, a variant classified as benign is not then subjected to further curation. The score for this variant resulted in a classification of benign for this disease.